The following is an entry in ClinVar:

ClinVar aggregate classification (germline): Conflicting classifications of pathogenicity. Review status: criteria provided, conflicting classifications (1 of 4 stars). 2 submissions from 2 submitters: Uncertain significance (1); Likely benign (1). Last evaluated 2026-05-15.

Conditions:
Familial thoracic aortic aneurysm and aortic dissection (TAAD). Also called: Thoracic aortic aneurysms and dissections. Identifiers: Orphanet 91387, MedGen C4707243, MONDO:0019625.
Shprintzen-Goldberg syndrome (SGS). Also called: SHPRINTZEN-GOLDBERG CRANIOSYNOSTOSIS SYNDROME; CRANIOSYNOSTOSIS WITH ARACHNODACTYLY AND ABDOMINAL HERNIAS; Marfanoid disorder with craniosynostosis type 1; Marfanoid craniosynostosis syndrome; Shprintzen-Goldberg marfanoid syndrome. Identifiers: Orphanet 2462, MedGen C1321551, MONDO:0008426, OMIM 182212.

Allele frequency attached by ClinVar (database versions not stated): TOPMed below 0.00001.

Submissions (2):

Ambry Genetics
Classification: Likely benign for Familial thoracic aortic aneurysm and aortic dissection. Last evaluated: 2026-05-15. Review status: criteria provided, single submitter. Criteria: Ambry Variant Classification Scheme 2023. Collection method: clinical testing. Allele origin: germline.

Breda Genetics srl
Classification: Uncertain significance for Shprintzen-Goldberg syndrome. Last evaluated: 2021-02-18. Review status: criteria provided, single submitter. Criteria: ACMG Guidelines, 2015. Collection method: clinical testing. Allele origin: germline. Inheritance: Autosomal dominant inheritance. Affected: yes. Observed: 1 variant allele, 1 heterozygote.
Comment: The variant is a synonymous change (which does not introduce changes in the amino acid sequence) that falls into exon 1 of the SKI gene. The variant c.219G>A (p.Val73Val) is not reported in the dbSNP, gnomAD, 1000 Genomes Project or ClinVar databases. In silico analysis indicates a possible alteration of ESE/ESS sequences present in the exon (HSF System). Although loss-of-function variants in the SKI gene are not reported in the literature as pathogenic, some ClinVar entries suggest that this possibility cannot be ruled out.

NM_003036.4(SKI):c.219G>A (p.Val73=)

Gene: SKI (SKI proto-oncogene; plus strand). Cytogenetic location: 1p36.33.
Variant type: single nucleotide variant.
Coding change: c.219G>A on transcript NM_003036.4 (MANE Select); coding-DNA position 219, G replaced by A.
Protein change: p.Val73=; no amino-acid change (valine 73 retained).
Molecular consequence: synonymous variant.
Genome position (GRCh38, 1-based): chr1:2,228,985, G>A. VCF-style: chr1-2228985-G-A. GRCh37 (hg19) VCF-style: chr1-2160424-G-A.
Other names: c.219G>A (NM_003036.3).
Identifiers: ClinVar variation 1298288 (VCV001298288.2), dbSNP rs1638568131, ClinGen allele CA415774279.